The following is an entry in ClinVar:

NM_000921.5(PDE3A):c.5C>T (p.Ala2Val)

Genes: PDE3A (phosphodiesterase 3A; plus strand), PDE3A-AS1 (PDE3A antisense RNA 1; minus strand). Cytogenetic location: 12p12.2.
Variant type: single nucleotide variant.
Coding change: c.5C>T on transcript NM_000921.5 (MANE Select); coding-DNA position 5, C replaced by T.
Protein change: p.Ala2Val; replaces alanine 2 with valine.
Molecular consequence: missense variant. On other transcripts: 5 prime UTR variant (1).
Genome position (GRCh38, 1-based): chr12:20,369,289, C>T. VCF-style: chr12-20369289-C-T. GRCh37 (hg19) VCF-style: chr12-20522223-C-T.
Other names: c.5C>T, p.Ala2Val (NM_001378407.1); c.-1024C>T (NM_001378408.1); short protein forms A2V.
Identifiers: ClinVar variation 1988732 (VCV001988732.4), dbSNP rs986781737, ClinGen allele CA234043355.
Genomic context (GRCh38, chr12:20,369,289, plus strand): 5'-CGGGGCGGGGGCGTCGGGGGGCCACTGGGAATTCAGTGAAGAGGGCACCCTATACCATGG[C>T]AGTGCCCGGCGACGCTGCACGAGTCAGGGACAAGCCCGTCCACAGTGGGGTGAGTCAAGC-3'
Protein context (NP_000912.3, residues 1-12): M[Ala2Val]VPGDAARVRD

ClinVar aggregate classification (germline): Uncertain significance (1 of 4 stars; one submission).

Allele frequency attached by ClinVar (database versions not stated): gnomAD 0.00001; gnomAD exomes 0.00001; TOPMed 0.00003.
gnomAD v4.1: 15 of 1,515,362 alleles (0.00099%); highest among the groups gnomAD compares: Admixed American, 0.0083%; no homozygotes.

Submission:

Labcorp Genetics (formerly Invitae), Labcorp
Classification: Uncertain significance. Last evaluated: 2023-07-17. Review status: criteria provided, single submitter. Criteria: Invitae Variant Classification Sherloc (09022015). Collection method: clinical testing. Allele origin: germline.
Comment: In summary, the available evidence is currently insufficient to determine the role of this variant in disease. Therefore, it has been classified as a Variant of Uncertain Significance. An algorithm developed to predict the effect of missense changes on protein structure and function (PolyPhen-2) suggests that this variant is likely to be tolerated. ClinVar contains an entry for this variant (Variation ID: 1988732). This variant has not been reported in the literature in individuals affected with PDE3A-related conditions. The frequency data for this variant in the population databases is considered unreliable, as metrics indicate poor data quality at this position in the gnomAD database. This sequence change replaces alanine, which is neutral and non-polar, with valine, which is neutral and non-polar, at codon 2 of the PDE3A protein (p.Ala2Val).